The following is an entry in ClinVar:

NM_000441.2(SLC26A4):c.1265T>C (p.Val422Ala)

Gene: SLC26A4 (solute carrier family 26 member 4; plus strand). Cytogenetic location: 7q22.3.
Variant type: single nucleotide variant.
Coding change: c.1265T>C on transcript NM_000441.2 (MANE Select); coding-DNA position 1265, T replaced by C.
Protein change: p.Val422Ala; replaces valine 422 with alanine.
Molecular consequence: missense variant.
Genome position (GRCh38, 1-based): chr7:107,694,404, T>C. VCF-style: chr7-107694404-T-C. GRCh37 (hg19) VCF-style: chr7-107334849-T-C.
Other names: c.[1265T>C] (NM_000441.1); short protein forms V422A.
Identifiers: ClinVar variation 378599 (VCV000378599.12), dbSNP rs1057520369, ClinGen allele CA16605207.

ClinVar aggregate classification (germline): Conflicting classifications of pathogenicity. Review status: criteria provided, conflicting classifications (1 of 4 stars). 7 submissions from 5 submitters: Likely pathogenic (1); Uncertain significance (6). Last evaluated 2021-09-05.

Conditions:
Pendred syndrome (PDS). Also called: DEAFNESS WITH GOITER; Pendred Syndrome (PDS); GOITER-DEAFNESS SYNDROME; Pendred's syndrome; THYROID DYSHORMONOGENESIS 2B; THYROID HORMONOGENESIS, GENETIC DEFECT IN, 2B. Identifiers: Orphanet 705, MedGen C0271829, MONDO:0010134, OMIM 274600.
Autosomal recessive nonsyndromic hearing loss 4 (DFNB4). Also called: Deafness, autosomal recessive 4; Nonsyndromic enlarged vestibular aqueduct (NSEVA); Enlarged vestibular aqueduct, digenic; Deafness, autosomal recessive 4, with enlarged vestibular aqueduct; FOXI1-Related Pendred Syndrome; KCNJ10-Related Pendred Syndrome. Identifiers: Orphanet 90636, MedGen C3538946, MONDO:0010933, OMIM 600791.

Submissions (7):

Genome-Nilou Lab
Classification: Uncertain significance for Autosomal recessive nonsyndromic hearing loss 4. Last evaluated: 2021-09-05. Review status: criteria provided, single submitter. Criteria: ACMG Guidelines, 2015. Collection method: clinical testing. Allele origin: germline. Affected: no.

Genome-Nilou Lab
Classification: Uncertain significance for Pendred syndrome. Last evaluated: 2021-09-05. Review status: criteria provided, single submitter. Criteria: ACMG Guidelines, 2015. Collection method: clinical testing. Allele origin: germline. Affected: no.

Dubai Health Genomic Medicine Center, Dubai Health
Classification: Uncertain significance. Last evaluated: 2020-02-25. Review status: criteria provided, single submitter. Criteria: ACMG Guidelines, 2015. Collection method: clinical testing. Allele origin: germline. Affected: yes.
Comment: The p.Val422Ala in SLC26A4 has been reported by one clinical laboratory as likely pathogenic (ClinVar Accession ID: SCV000514665.4). Other missense variants affecting the same codon have been reported in the compound heterozygous state with another pathogenic variant in one individual diagnosed with Pendred syndrome (PMID: 17876604) and in another with enlarged vestibular aqueduct (PMID: 25372295). This variant is absent from large population studies such as the Genome Aggregation Database (gnomAD) and the Greater Middle East (GME) Variome Database. The V422A variant is a conservative amino acid substitution which is not likely to impact secondary protein structure as these residues share similar properties. Conservation analysis and computational prediction tools suggest an impact to protein function however this information is not predictive enough to confirm pathogenicity. In summary, more ifnormation is needed to determine the clinical significance of this variant though based on the above information we lean more towards a likely pathogenic role.

GeneDx
Classification: Likely pathogenic. Last evaluated: 2018-09-17. Review status: criteria provided, single submitter. Criteria: GeneDx Variant Classification (06012015). Collection method: clinical testing. Allele origin: germline. Affected: yes.
Comment: The V422A variant in the SLC26A4 gene has not been published as a pathogenic variant, nor has it been reported as a benign variant to our knowledge. However, missense variants at this same codon (V422D and V422I) have been reported in the heterozygous state with a second pathogenic variant in individuals with SLC26A4-related disorders (Banghova et al., 2008; Zhao et al., 2014). Furthermore, missense variants in nearby residues (T420I, Q421K, Q421P, Q421R, Q421L, G424D, I426N) have been reported in the Human Gene Mutation Database in association with SLC26A4-related disorders (Stenson et al., 2014), supporting the functional importance of this region of the protein. The V422A variant was not observed in approximately 6500 individuals of European and African American ancestry in the NHLBI Exome Sequencing Project, indicating it is not a common benign variant in these populations. The V422A variant is a conservative amino acid substitution, which is not likely to impact secondary protein structure as these residues share similar properties. This substitution occurs at a position where amino acids with similar properties to Valine are tolerated across species. However, in silico analysis predicts this variant is probably damaging to the protein structure/function. The V422A variant is a strong candidate for a pathogenic variant, however the possibility it may be a rare benign variant cannot be excluded.

Illumina Laboratory Services, Illumina
Classification: Uncertain significance for Pendred syndrome. Last evaluated: 2017-04-27. Review status: criteria provided, single submitter. Criteria: ICSL Variant Classification Criteria 13 December 2019. Collection method: clinical testing. Allele origin: germline.

Illumina Laboratory Services, Illumina
Classification: Uncertain significance for Autosomal recessive nonsyndromic hearing loss 4. Last evaluated: 2017-04-27. Review status: criteria provided, single submitter. Criteria: ICSL Variant Classification Criteria 13 December 2019. Collection method: clinical testing. Allele origin: germline.

Neuberg Centre For Genomic Medicine, NCGM
Classification: Uncertain significance for Autosomal recessive nonsyndromic hearing loss 4. Review status: criteria provided, single submitter. Criteria: ACMG Guidelines, 2015. Collection method: clinical testing. Allele origin: germline. Affected: yes.
Comment: The missense variant p.V422A in SLC26A4 (NM_000441.2) has been submitted to ClinVar with varying interpretations of Pathogenicity. Other missense variants affecting the same amino acid (V422D and V422I) have been reported to be disease causing. The V224A variant has not been reported in affected individuals in literature. The p.V422A variant is novel (not in any individuals) in gnomAD Exomes and is novel (not in any individuals) in 1000 Genomes. The p.V422A missense variant is predicted to be damaging by both SIFT and PolyPhen2. The nucleotide c.1265 in SLC26A4 is predicted conserved by GERP++ and PhyloP across 100 vertebrates. For these reasons, this variant has been classified as Uncertain Significance.